The following is an entry in ClinVar:

ClinVar aggregate classification (germline): Uncertain significance (1 of 4 stars; one submission).

Submission:

GeneDx
Classification: Uncertain significance. Last evaluated: 2022-04-11. Review status: criteria provided, single submitter. Criteria: GeneDx Variant Classification Process June 2021. Collection method: clinical testing. Allele origin: germline. Affected: yes.
Comment: Not observed at significant frequency in large population cohorts (gnomAD); In-frame deletion of 3 amino acids in a non-repeat region; In silico analysis supports a deleterious effect on protein structure/function; Has not been previously published as pathogenic or benign to our knowledge

NM_001853.4(COL9A3):c.616_624del (p.Lys206_Gly208del)

Gene: COL9A3 (collagen type IX alpha 3 chain; plus strand). Cytogenetic location: 20q13.33.
Variant type: Deletion.
Coding change: c.616_624del on transcript NM_001853.4 (MANE Select); coding-DNA positions 616 to 624, 9 bases deleted (AAGGACGGC; older notation c.616_624delAAGGACGGC).
Protein change: p.Lys206_Gly208del.
Molecular consequence: inframe deletion.
Genome position (GRCh38, 1-based): chr20:62,825,007-62,825,015, AAGGACGGC deleted; deleting any 9 consecutive bases within chr20:62,825,003-62,825,015 gives the same sequence; the c. name uses the placement nearest the transcript's 3' end. VCF-style (leftmost placement, unchanged base first): chr20-62825002-TCGGCAAGGA-T. GRCh37 (hg19) VCF-style: chr20-61456354-TCGGCAAGGA-T.
Identifiers: ClinVar variation 1710548 (VCV001710548.2), dbSNP rs2516039653, ClinGen allele CA2580098358.